The following is an entry in ClinVar:

NM_003823.4(TNFRSF6B):c.754G>A (p.Ala252Thr)

Genes: RTEL1-TNFRSF6B (RTEL1-TNFRSF6B readthrough (NMD candidate); plus strand), TNFRSF6B (TNF receptor superfamily member 6b; plus strand). Cytogenetic location: 20q13.33.
Variant type: single nucleotide variant.
Coding change: c.754G>A on transcript NM_003823.4 (MANE Select); coding-DNA position 754, G replaced by A.
Protein change: p.Ala252Thr; replaces alanine 252 with threonine.
Molecular consequence: missense variant. On other transcripts: non-coding transcript variant (1).
Genome position (GRCh38, 1-based): chr20:63,698,414, G>A. VCF-style: chr20-63698414-G-A. GRCh37 (hg19) VCF-style: chr20-62329767-G-A.
Other names: short protein forms A252T.
Identifiers: ClinVar variation 1508993 (VCV001508993.6), dbSNP rs748740001, ClinGen allele CA9966596.

ClinVar aggregate classification (germline): Uncertain significance (1 of 4 stars; one submission).

Allele frequency attached by ClinVar (database versions not stated): gnomAD exomes 0.00001; ExAC 0.00004.
gnomAD v4.1: 4 of 1,590,120 alleles (0.00025%); highest among the groups gnomAD compares: Admixed American, 0.0055%; no homozygotes.

Submission:

Labcorp Genetics (formerly Invitae), Labcorp
Classification: Uncertain significance. Last evaluated: 2022-10-25. Review status: criteria provided, single submitter. Criteria: Invitae Variant Classification Sherloc (09022015). Collection method: clinical testing. Allele origin: germline.
Comment: This sequence change replaces alanine, which is neutral and non-polar, with threonine, which is neutral and polar, at codon 252 of the TNFRSF6B protein (p.Ala252Thr). This variant is present in population databases (rs748740001, gnomAD 0.01%). This variant has not been reported in the literature in individuals affected with TNFRSF6B-related conditions. ClinVar contains an entry for this variant (Variation ID: 1508993). Algorithms developed to predict the effect of missense changes on protein structure and function output the following: SIFT: "Tolerated"; PolyPhen-2: "Benign"; Align-GVGD: "Class C0". The threonine amino acid residue is found in multiple mammalian species, which suggests that this missense change does not adversely affect protein function. In summary, the available evidence is currently insufficient to determine the role of this variant in disease. Therefore, it has been classified as a Variant of Uncertain Significance.